The following is an entry in ClinVar:

ClinVar aggregate classification (germline): Conflicting classifications of pathogenicity. Review status: criteria provided, conflicting classifications (1 of 4 stars). 2 submissions from 2 submitters: Uncertain significance (1); Likely benign (1). Last evaluated 2025-12-24.

Allele frequency attached by ClinVar (database versions not stated): TOPMed 0.00001; gnomAD exomes 0.00002; ExAC 0.00003.
gnomAD v4.1: 15 of 1,609,900 alleles (0.00093%); highest among the groups gnomAD compares: Middle Eastern, 0.018%; no homozygotes.

Submissions (2):

Labcorp Genetics (formerly Invitae), Labcorp
Classification: Likely benign. Last evaluated: 2025-12-24. Review status: criteria provided, single submitter. Criteria: Invitae Variant Classification Sherloc (09022015). Collection method: clinical testing. Allele origin: germline.

GeneDx
Classification: Uncertain significance. Last evaluated: 2020-11-17. Review status: criteria provided, single submitter. Criteria: GeneDx Variant Classification Process June 2021. Collection method: clinical testing. Allele origin: germline. Affected: yes.
Comment: Not observed at a significant frequency in large population cohorts (Lek 2016); Has not been previously published as pathogenic or benign to our knowledge; In-silico analysis, which includes splice predictors and evolutionary conservation, is inconclusive as to whether the variant alters gene splicing. In the absence of RNA/functional studies, the actual effect of this sequence change is unknown.

NM_006231.4(POLE):c.4006-8C>A

Gene: POLE (DNA polymerase epsilon, catalytic subunit; minus strand). Cytogenetic location: 12q24.33.
Variant type: single nucleotide variant.
Coding change: c.4006-8C>A on transcript NM_006231.4 (MANE Select); 8 bases into the intron before coding-DNA position 4006, C replaced by A.
Molecular consequence: intron variant.
Genome position (GRCh38, 1-based): chr12:132,649,080, G>T on the plus strand (C>A on the coding strand, the complement: POLE is on the minus strand). VCF-style: chr12-132649080-G-T. GRCh37 (hg19) VCF-style: chr12-133225666-G-T.
Identifiers: ClinVar variation 405631 (VCV000405631.10), dbSNP rs745486661, ClinGen allele CA6893019.
Genomic context (GRCh38, chr12:132,649,080, plus strand): 5'-CTGCCAACGAGCGCCCACAGCCTGAACAGGCCGGCCTGGCTGGTCTCGCTGATCTGAAAG[G>T]CCACACGGACATACAGCACATCACAGGACACACTGGAACCCACAGACGGGGCCACCTTCC-3'